The following is an entry in ClinVar:

ClinVar aggregate classification (germline): Likely benign (1 of 4 stars; one submission).

Allele frequency attached by ClinVar (database versions not stated): gnomAD exomes 0.00055; gnomAD 0.00066; TOPMed 0.00068; ESP Exome Variant Server 0.00073; ExAC 0.00095.
gnomAD v4.1: 991 of 1,592,428 alleles (0.062%); highest among the groups gnomAD compares: Middle Eastern, 0.017%; 15 homozygotes.

Submission:

CeGaT Center for Human Genetics Tuebingen
Classification: Likely benign. Last evaluated: 2026-08-01. Review status: criteria provided, single submitter. Criteria: CeGaT Center For Human Genetics Tuebingen Variant Classification Criteria Version 2. Collection method: clinical testing. Allele origin: germline. Affected: yes. Observed: 5 variant alleles.
Comment: HYDIN: BP4, BS1

NM_001270974.2(HYDIN):c.6730G>T (p.Ala2244Ser)

Gene: HYDIN (HYDIN axonemal central pair apparatus protein; minus strand). Cytogenetic location: 16q22.2.
Variant type: single nucleotide variant.
Coding change: c.6730G>T on transcript NM_001270974.2 (MANE Select); coding-DNA position 6730, G replaced by T.
Protein change: p.Ala2244Ser; replaces alanine 2244 with serine.
Molecular consequence: missense variant.
Genome position (GRCh38, 1-based): chr16:70,941,759, C>A on the plus strand (G>T on the coding strand, the complement: HYDIN is on the minus strand). VCF-style: chr16-70941759-C-A. GRCh37 (hg19) VCF-style: chr16-70975662-C-A.
Other names: short protein forms A2244S.
Identifiers: ClinVar variation 2646752 (VCV002646752.24), dbSNP rs199882821, ClinGen allele CA8150177.